The following is an entry in ClinVar:

ClinVar aggregate classification (germline): Conflicting classifications of pathogenicity. Review status: criteria provided, conflicting classifications (1 of 4 stars). 3 submissions from 3 submitters: Uncertain significance (1); Likely benign (2). Last evaluated 2023-10-26.

Conditions:
Hereditary cancer-predisposing syndrome. Also called: Neoplastic Syndromes, Hereditary; Hereditary neoplastic syndrome; Hereditary Cancer Syndrome; Tumor predisposition. Identifiers: Orphanet 140162, MedGen C0027672, MeSH D009386, MONDO:0015356.
Birt-Hogg-Dube syndrome. Also called: Birt Hogg Dubé syndrome. Identifiers: Orphanet 122, MedGen C0346010, MONDO:0800444.

Allele frequency attached by ClinVar (database versions not stated): TOPMed below 0.00001; gnomAD 0.00001.
gnomAD v4.1: 1 of 1,613,600 alleles (0.000062%); highest among the groups gnomAD compares: African/African-American, 0.0013%; no homozygotes.

Submissions (3):

Quest Diagnostics Nichols Institute San Juan Capistrano
Classification: Uncertain significance. Last evaluated: 2023-10-26. Review status: criteria provided, single submitter. Criteria: Quest Diagnostics criteria. Collection method: clinical testing. Allele origin: unknown.
Comment: The FLCN c.549C>T (p.Ile183Ile) variant has not been reported in individuals with FLCN-related conditions in the published literature. The frequency of this variant in the general population, 0.000035 (1/28734 chromosomes (Genome Aggregation Database)), is uninformative in the assessment of its pathogenicity. Analysis of this variant using software algorithms for the prediction of the effect of nucleotide changes on splicing yielded predictions that this variant does not affect FLCN mRNA splicing. Based on the available information, we are unable to determine the clinical significance of this variant.

Ambry Genetics
Classification: Likely benign for Hereditary cancer-predisposing syndrome. Last evaluated: 2020-03-17. Review status: criteria provided, single submitter. Criteria: Ambry Variant Classification Scheme 2023. Collection method: clinical testing. Allele origin: germline.

Labcorp Genetics (formerly Invitae), Labcorp
Classification: Likely benign for Birt-Hogg-Dube syndrome. Last evaluated: 2019-04-19. Review status: criteria provided, single submitter. Criteria: Invitae Variant Classification Sherloc (09022015). Collection method: clinical testing. Allele origin: germline.

NM_144997.7(FLCN):c.549C>T (p.Ile183=)

Gene: FLCN (folliculin; minus strand). Cytogenetic location: 17p11.2.
Variant type: single nucleotide variant.
Coding change: c.549C>T on transcript NM_144997.7 (MANE Select); coding-DNA position 549, C replaced by T.
Protein change: p.Ile183=; no amino-acid change (isoleucine 183 retained).
Molecular consequence: synonymous variant.
Genome position (GRCh38, 1-based): chr17:17,223,991, G>A on the plus strand (C>T on the coding strand, the complement: FLCN is on the minus strand). VCF-style: chr17-17223991-G-A. GRCh37 (hg19) VCF-style: chr17-17127305-G-A.
Other names: c.549C>T (NM_144997.6); c.549C>T, p.Ile183= (NM_144606.7, NM_001353230.2, NM_001353231.2); c.603C>T, p.Ile201= (NM_001353229.2).
Identifiers: ClinVar variation 1096723 (VCV001096723.10), dbSNP rs1278501001, ClinGen allele CA498166169.
Genomic context (GRCh38, chr17:17,223,991, plus strand): 5'-CTTGCCCTGGAGCTCATCGATGATTCCCCGGACCTTCCCCAGCAGGAAGGGCCAGGAGTT[G>A]ATGAGGTAGATCCGGTCCATCATGATGGTGATGATGCTGTACCAGCGCTGGAAGCCCCTG-3'
Protein context (NP_659434.2, residues 173-193): ITIMMDRIYL[Ile183=]NSWPFLLGKV